The following is an entry in ClinVar:

ClinVar aggregate classification (germline): Uncertain significance. Review status: criteria provided, single submitter (1 of 4 stars). 2 submissions from 2 submitters: Uncertain significance (1). 1 of the submissions does not count toward it. Last evaluated 2019-11-26.

Conditions:
NAD(P)HX dehydratase deficiency. Also called: Encephalopathy, progressive, early-onset, with brain edema and/or leukoencephalopathy, 2. Identifiers: Orphanet 555402, MedGen C5193026, MONDO:0034121, OMIM 618321.

Allele frequency attached by ClinVar (database versions not stated): gnomAD exomes below 0.00001.
gnomAD v4.1: 1 of 1,503,684 alleles (0.000067%); highest among the groups gnomAD compares: Non-Finnish European, 0.000088%; no homozygotes.

Submissions (2):

Baylor Genetics
Classification: Uncertain significance for NAD(P)HX dehydratase deficiency. Last evaluated: 2019-11-26. Review status: criteria provided, single submitter. Criteria: ACMG Guidelines, 2015. Collection method: clinical testing. Allele origin: unknown. Affected: yes.
Comment: This variant was determined to be of uncertain significance according to ACMG Guidelines, 2015 [PMID:25741868].

OMIM
Classification: Pathogenic for ENCEPHALOPATHY, PROGRESSIVE, EARLY-ONSET, WITH BRAIN EDEMA AND/OR LEUKOENCEPHALOPATHY, 2. Last evaluated: 2022-08-29. Review status: no assertion criteria provided. Collection method: literature only. Allele origin: germline. Not counted in ClinVar's aggregate classification.

Literature cited by the submitters: PubMed 35231119 (cited by OMIM).

NM_001242882.2(NAXD):c.46G>A (p.Val16Ile)

Genes: NAXD (NAD(P)HX dehydratase; plus strand), NAXD-AS1 (NAXD antisense RNA 1; minus strand). Cytogenetic location: 13q34.
Variant type: single nucleotide variant.
Coding change: c.46G>A on transcript NM_001242882.2 (MANE Select); coding-DNA position 46, G replaced by A.
Protein change: p.Val16Ile; replaces valine 16 with isoleucine.
Molecular consequence: missense variant. On other transcripts: 5 prime UTR variant (2), non-coding transcript variant (2).
Genome position (GRCh38, 1-based): chr13:110,615,647, G>A. VCF-style: chr13-110615647-G-A. GRCh37 (hg19) VCF-style: chr13-111267994-G-A.
Other names: c.-28G>A (NM_001242881.2, NM_018210.4); c.56G>A, p.Ser19Asn (NM_001242883.2); short protein forms V16I, S19N.
Identifiers: ClinVar variation 1031247 (VCV001031247.3), dbSNP rs1886017898, ClinGen allele CA388727637.